The following is an entry in ClinVar:

NM_005592.4(MUSK):c.-9G>A

Gene: MUSK (muscle associated receptor tyrosine kinase; plus strand). Cytogenetic location: 9q31.3.
Variant type: single nucleotide variant.
Coding change: c.-9G>A on transcript NM_005592.4 (MANE Select); 9 bases upstream of the start codon, G replaced by A.
Molecular consequence: 5 prime UTR variant.
Genome position (GRCh38, 1-based): chr9:110,668,896, G>A. VCF-style: chr9-110668896-G-A. GRCh37 (hg19) VCF-style: chr9-113431176-G-A.
Other names: c.-9G>A (NM_001166280.2, NM_001166281.2).
Identifiers: ClinVar variation 4988560 (VCV004988560.1).
Genomic context (GRCh38, chr9:110,668,896, plus strand): 5'-GTAAACTGTGGAGCCATTTTCCTTGCGTTGTCCAGAAGGAACTTCGTCCTGCGTGAGCCT[G>A]GATTAATCATGAGAGAGCTCGTCAACATTCCACTGGTACATATTCTTACTCTGGTTGCCT-3'

ClinVar aggregate classification (germline): Likely benign (1 of 4 stars; one submission).

Conditions:
MUSK-related disorder. Also called: MUSK-related disorders; MUSK-related condition.

gnomAD v4.1: 17 of 1,612,224 alleles (0.0011%); highest among the groups gnomAD compares: Admixed American, 0.013%; no homozygotes.

Submission:

PreventionGenetics, part of Exact Sciences
Classification: Likely benign for MUSK-related condition. Last evaluated: 2025-03-12. Review status: criteria provided, single submitter. Criteria: ACMG Guidelines, 2015. Collection method: clinical testing. Allele origin: germline.
Comment: This variant is classified as likely benign based on ACMG/AMP sequence variant interpretation guidelines (Richards et al. 2015 PMID: 25741868, with internal and published modifications).